The following is an entry in ClinVar:

NM_005138.3(SCO2):c.283C>G (p.Arg95Gly)

Genes: NCAPH2 (non-SMC condensin II complex subunit H2; plus strand), SCO2 (synthesis of cytochrome C oxidase 2; minus strand). Cytogenetic location: 22q13.33.
Variant type: single nucleotide variant.
Coding change: c.283C>G on transcript NM_005138.3 (MANE Select); coding-DNA position 283, C replaced by G.
Protein change: p.Arg95Gly; replaces arginine 95 with glycine.
Molecular consequence: missense variant. On other transcripts: 3 prime UTR variant (2).
Genome position (GRCh38, 1-based): chr22:50,524,129, G>C on the plus strand (C>G on the coding strand, the complement: SCO2 is on the minus strand). VCF-style: chr22-50524129-G-C. GRCh37 (hg19) VCF-style: chr22-50962558-G-C.
Other names: c.283C>G, p.Arg95Gly (NM_001169111.2, NM_001169109.2, NM_001169110.1); c.*754G>C (NM_001185011.2, NM_152299.4); short protein forms R95G.
Identifiers: ClinVar variation 2011584 (VCV002011584.4), dbSNP rs748973032, ClinGen allele CA412193241.

ClinVar aggregate classification (germline): Uncertain significance (1 of 4 stars; one submission).

Submission:

Labcorp Genetics (formerly Invitae), Labcorp
Classification: Uncertain significance. Last evaluated: 2022-10-02. Review status: criteria provided, single submitter. Criteria: Invitae Variant Classification Sherloc (09022015). Collection method: clinical testing. Allele origin: germline.
Comment: This sequence change replaces arginine, which is basic and polar, with glycine, which is neutral and non-polar, at codon 95 of the SCO2 protein (p.Arg95Gly). In summary, the available evidence is currently insufficient to determine the role of this variant in disease. Therefore, it has been classified as a Variant of Uncertain Significance. Advanced modeling of protein sequence and biophysical properties (such as structural, functional, and spatial information, amino acid conservation, physicochemical variation, residue mobility, and thermodynamic stability) performed at Invitae indicates that this missense variant is not expected to disrupt SCO2 protein function. This variant has not been reported in the literature in individuals affected with SCO2-related conditions. This variant is not present in population databases (gnomAD no frequency).